The following is an entry in ClinVar:

ClinVar aggregate classification (germline): Benign/Likely benign. Review status: criteria provided, multiple submitters, no conflicts (2 of 4 stars). 2 submissions from 2 submitters: Benign (1); Likely benign (1). Last evaluated 2020-09-21.

Conditions:
Neonatal insulin-dependent diabetes mellitus. Identifiers: MedGen C3278636, HP:0000857.

Allele frequency attached by ClinVar (database versions not stated): gnomAD exomes 0.00076; gnomAD 0.00418; 1000 Genomes Project 0.00579; TOPMed 0.00581; 1000 Genomes Project 30x 0.00640.
gnomAD v4.1: 944 of 333,612 alleles (0.28%); highest among the groups gnomAD compares: African/African-American, 1.8%; 10 homozygotes.

Submissions (2):

GeneDx
Classification: Likely benign. Last evaluated: 2020-09-21. Review status: criteria provided, single submitter. Criteria: GeneDx Variant Classification Process June 2021. Collection method: clinical testing. Allele origin: germline. Affected: yes.

Clinical Genomics, Uppaluri K&H Personalized Medicine Clinic
Classification: Benign for Neonatal insulin-dependent diabetes mellitus. Review status: criteria provided, single submitter. Criteria: K & H Uppaluri Personalized Medicine Clinic Variant Classification & Assertion Criteria_Updated V.1. Collection method: research. Allele origin: unknown.
Comment: Mutations in INS gene can cause early onset diabetes mellitus which is insulin dependent. May have poor response to sulfonylureas, as this mutation can cause beta cell destruction. However no sufficient evidence is found to ascertain the role of this particular variant rs3842725, yet.

Literature cited by the submitters: PubMed 11921414 (cited by Clinical Genomics, Uppaluri K&H Personalized Medicine Clinic); PubMed 25542748 (cited by Clinical Genomics, Uppaluri K&H Personalized Medicine Clinic); PubMed 26101329 (cited by Clinical Genomics, Uppaluri K&H Personalized Medicine Clinic); PubMed 18171712 (cited by Clinical Genomics, Uppaluri K&H Personalized Medicine Clinic).

NM_000360.4(TH):c.*277G>A

Genes: INS (insulin; minus strand), TH (tyrosine hydroxylase; minus strand). Cytogenetic location: 11p15.5.
Variant type: single nucleotide variant.
Coding change: c.*277G>A on transcript NM_000360.4 (MANE Select); 277 bases downstream of the stop codon, G replaced by A.
Molecular consequence: 3 prime UTR variant.
Genome position (GRCh38, 1-based): chr11:2,163,956, C>T on the plus strand (G>A on the coding strand, the complement: TH is on the minus strand). VCF-style: chr11-2163956-C-T. GRCh37 (hg19) VCF-style: chr11-2185186-C-T.
Other names: c.*277G>A (NM_199292.3, NM_199293.3).
Identifiers: ClinVar variation 304062 (VCV000304062.8), dbSNP rs3842725, ClinGen allele CA10630587.
Genomic context (GRCh38, chr11:2,163,956, plus strand): 5'-TCTCTGTGGCACAGATGTGGGGCCAGGCAGGTGTAGAGACCACAGTTTCTTTTATTGTGA[C>T]GGTGATTGGGGCAGCAGACAGTGTCAGGGAAGGGCGGAGGGCAGTGCAGCAGCCCCCAGG-3'